The following is an entry in ClinVar:

NM_001277115.2(DNAH11):c.7811+4A>T

Gene: DNAH11 (dynein axonemal heavy chain 11; plus strand). Cytogenetic location: 7p15.3.
Variant type: single nucleotide variant.
Coding change: c.7811+4A>T on transcript NM_001277115.2 (MANE Select); 4 bases into the intron after coding-DNA position 7811, A replaced by T.
Molecular consequence: intron variant.
Genome position (GRCh38, 1-based): chr7:21,738,870, A>T. VCF-style: chr7-21738870-A-T. GRCh37 (hg19) VCF-style: chr7-21778488-A-T.
Identifiers: ClinVar variation 695180 (VCV000695180.24), dbSNP rs374167556, ClinGen allele CA4181352.

ClinVar aggregate classification (germline): Conflicting classifications of pathogenicity. Review status: criteria provided, conflicting classifications (1 of 4 stars). 6 submissions from 6 submitters: Uncertain significance (3); Likely benign (2). 1 of the submissions does not count toward it. Last evaluated 2026-01-23.

Conditions:
DNAH11-related disorder. Also called: DNAH11-related condition.
Primary ciliary dyskinesia. Also called: Ciliary dyskinesia. Identifiers: Orphanet 244, MedGen C0008780, MONDO:0016575, HP:0012265.
Primary ciliary dyskinesia 7. Also called: CILIARY DYSKINESIA, PRIMARY, 7, WITH OR WITHOUT SITUS INVERSUS. Identifiers: Orphanet 244, MedGen C2678473, MONDO:0012748, OMIM 611884.

Allele frequency attached by ClinVar (database versions not stated): TOPMed 0.00082; gnomAD 0.00089; ESP Exome Variant Server 0.00116; 1000 Genomes Project 30x 0.00125; 1000 Genomes Project 0.00140.
gnomAD v4.1: 240 of 1,586,656 alleles (0.015%); highest among the groups gnomAD compares: African/African-American, 0.31%; 1 homozygote.

Submissions (7):

Labcorp Genetics (formerly Invitae), Labcorp
Classification: Likely benign for Primary ciliary dyskinesia. Last evaluated: 2026-01-23. Review status: criteria provided, single submitter. Criteria: Invitae Variant Classification Sherloc (09022015). Collection method: clinical testing. Allele origin: germline.

Ambry Genetics
Classification: Uncertain significance for Primary ciliary dyskinesia. Last evaluated: 2025-04-23. Review status: criteria provided, single submitter. Criteria: Ambry Variant Classification Scheme 2023. Collection method: clinical testing. Allele origin: germline.
Comment: The c.7811+4A>T intronic variant results from an A to T substitution 4 nucleotides after coding exon 47 in the DNAH11 gene. This nucleotide position is well conserved in available vertebrate species. In silico splice site analysis for this alteration is inconclusive. Based on the available evidence, the clinical significance of this variant remains unclear.

Blueprint Genetics
Classification: Uncertain significance. Last evaluated: 2022-08-09. Review status: criteria provided, single submitter. Criteria: ACMG Guidelines, 2015. Collection method: clinical testing. Allele origin: germline.

ARUP Laboratories, Molecular Genetics and Genomics, ARUP Laboratories
Classification: Likely benign for Primary ciliary dyskinesia 7. Last evaluated: 2022-01-31. Review status: criteria provided, single submitter. Criteria: ARUP Molecular Germline Variant Investigation Process 2021. Collection method: clinical testing. Allele origin: germline.

GeneDx
Classification: Uncertain significance. Last evaluated: 2021-02-12. Review status: criteria provided, single submitter. Criteria: GeneDx Variant Classification Process June 2021. Collection method: clinical testing. Allele origin: germline. Affected: yes.
Comment: Has not been previously published as pathogenic or benign to our knowledge; In-silico analysis, which includes splice predictors and evolutionary conservation, is inconclusive as to whether the variant alters gene splicing. In the absence of RNA/functional studies, the actual effect of this sequence change is unknown.

PreventionGenetics, part of Exact Sciences
Classification: Likely benign for DNAH11-related condition. Last evaluated: 2022-05-08. Review status: no assertion criteria provided. Collection method: clinical testing. Allele origin: germline. Not counted in ClinVar's aggregate classification.
Comment: This variant is classified as likely benign based on ACMG/AMP sequence variant interpretation guidelines (Richards et al. 2015 PMID: 25741868, with internal and published modifications).

Dr. Peter K. Rogan Lab, Western University
No classification provided (evidence only). Condition: Lung cancer. Review status: no classification provided. Collection method: in vitro. Allele origin: not applicable. Functional consequence: skipped exon. Not counted in ClinVar's aggregate classification.